The following is an entry in ClinVar:

ClinVar aggregate classification (germline): Uncertain significance (1 of 4 stars; one submission).

Conditions:
Cardiovascular phenotype. Identifiers: MedGen CN230736.

gnomAD v4.1: 1 of 1,614,134 alleles (0.000062%); highest among the groups gnomAD compares: Non-Finnish European, 0.000085%; no homozygotes.

Submission:

Ambry Genetics
Classification: Uncertain significance for Cardiovascular phenotype. Last evaluated: 2023-04-18. Review status: criteria provided, single submitter. Criteria: Ambry Variant Classification Scheme 2023. Collection method: clinical testing. Allele origin: germline.
Comment: The p.L581H variant (also known as c.1742T>A), located in coding exon 16 of the ANK2 gene, results from a T to A substitution at nucleotide position 1742. The leucine at codon 581 is replaced by histidine, an amino acid with similar properties. This amino acid position is conserved. In addition, this alteration is predicted to be deleterious by in silico analysis. Since supporting evidence is limited at this time, the clinical significance of this alteration remains unclear.

NM_001148.6(ANK2):c.1742T>A (p.Leu581His)

Gene: ANK2 (ankyrin 2; plus strand). Cytogenetic location: 4q26.
Variant type: single nucleotide variant.
Coding change: c.1742T>A on transcript NM_001148.6 (MANE Select); coding-DNA position 1742, T replaced by A.
Protein change: p.Leu581His; replaces leucine 581 with histidine.
Molecular consequence: missense variant.
Genome position (GRCh38, 1-based): chr4:113,277,895, T>A. VCF-style: chr4-113277895-T-A. GRCh37 (hg19) VCF-style: chr4-114199051-T-A.
Other names: c.1679T>A, p.Leu560His (NM_001127493.3, NM_001354239.2, NM_001354243.2 and 14 more transcripts); c.1742T>A, p.Leu581His (NM_001354225.2, NM_001354228.2, NM_001354232.2 and 8 more transcripts); c.1787T>A, p.Leu596His (NM_001354230.2, NM_001354231.2, NM_001354237.2 and 5 more transcripts); c.1655T>A, p.Leu552His (NM_001354249.2, NM_001354260.2, NM_001354264.2 and 13 more transcripts); c.1700T>A, p.Leu567His (NM_001354261.2, NM_001386147.1, NM_001386160.1); c.1532T>A, p.Leu511His (NM_001354269.3); c.1544T>A, p.Leu515His (NM_001354273.2); c.1457T>A, p.Leu486His (NM_001354277.2, NM_001386157.1, NM_001386158.1); and 4 more; short protein forms L569H, L577H, L581H, L590H, L552H, L567H, L511H, L560H.
Identifiers: ClinVar variation 2565304 (VCV002565304.2), dbSNP rs2153698634, ClinGen allele CA357911077.